The following is an entry in ClinVar:

NM_006208.3(ENPP1):c.502G>C (p.Asp168His)

Gene: ENPP1 (ectonucleotide pyrophosphatase/phosphodiesterase 1; plus strand). Cytogenetic location: 6q23.2.
Variant type: single nucleotide variant.
Coding change: c.502G>C on transcript NM_006208.3 (MANE Select); coding-DNA position 502, G replaced by C.
Protein change: p.Asp168His; replaces aspartic acid 168 with histidine.
Molecular consequence: missense variant.
Genome position (GRCh38, 1-based): chr6:131,851,213, G>C. VCF-style: chr6-131851213-G-C. GRCh37 (hg19) VCF-style: chr6-132172353-G-C.
Other names: short protein forms D168H.
Identifiers: ClinVar variation 2075037 (VCV002075037.5), dbSNP rs751033384, ClinGen allele CA4001917.

ClinVar aggregate classification (germline): Uncertain significance. Review status: criteria provided, multiple submitters, no conflicts (2 of 4 stars). 2 submissions from 2 submitters: Uncertain significance (2). Last evaluated 2025-12-24.

Conditions:
Hypopigmentation-punctate palmoplantar keratoderma syndrome. Also called: GUTTATE HYPOPIGMENTATION AND PUNCTATE PALMOPLANTAR KERATODERMA WITH OR WITHOUT ECTOPIC CALCIFICATION; Cole disease. Identifiers: Orphanet 324561, MedGen C3809781, MONDO:0014227, OMIM 615522.
Arterial calcification, generalized, of infancy, 1 (GACI1). Also called: Idiopathic Infantile Arterial Calcification. Identifiers: Orphanet 51608, MedGen C4551985, MONDO:0008817, OMIM 208000.
Hypophosphatemic rickets, autosomal recessive, 2 (ARHR2). Identifiers: Orphanet 289176, MedGen C2750078, MONDO:0013219, OMIM 613312.
Type 2 diabetes mellitus. Also called: Type II diabetes mellitus. Identifiers: MedGen C0011860, MeSH D003924, MONDO:0005148, OMIM 125853, HP:0005978.
Inherited obesity. Also called: Monogenic Obesity. Identifiers: Orphanet 77828, MedGen C4054476, MONDO:0019182, OMIM 601665.

Allele frequency attached by ClinVar (database versions not stated): ExAC 0.00004; gnomAD exomes 0.00007; TOPMed 0.00013; gnomAD 0.00015.
gnomAD v4.1: 66 of 1,613,986 alleles (0.0041%); highest among the groups gnomAD compares: Admixed American, 0.1%; no homozygotes.

Submissions (2):

Labcorp Genetics (formerly Invitae), Labcorp
Classification: Uncertain significance. Last evaluated: 2025-12-24. Review status: criteria provided, single submitter. Criteria: Invitae Variant Classification Sherloc (09022015). Collection method: clinical testing. Allele origin: germline.
Comment: This sequence change replaces aspartic acid, which is acidic and polar, with histidine, which is basic and polar, at codon 168 of the ENPP1 protein (p.Asp168His). This variant is present in population databases (rs751033384, gnomAD 0.1%). This variant has not been reported in the literature in individuals affected with ENPP1-related conditions. ClinVar contains an entry for this variant (Variation ID: 2075037). Invitae Evidence Modeling of protein sequence and biophysical properties (such as structural, functional, and spatial information, amino acid conservation, physicochemical variation, residue mobility, and thermodynamic stability) indicates that this missense variant is expected to disrupt ENPP1 protein function with a positive predictive value of 80%. In summary, the available evidence is currently insufficient to determine the role of this variant in disease. Therefore, it has been classified as a Variant of Uncertain Significance.

Fulgent Genetics
Classification: Uncertain significance for Type 2 diabetes mellitus; Arterial calcification, generalized, of infancy, 1; Inherited obesity; Hypophosphatemic rickets, autosomal recessive, 2; Hypopigmentation-punctate palmoplantar keratoderma syndrome. Last evaluated: 2024-05-17. Review status: criteria provided, single submitter. Criteria: ACMG Guidelines, 2015. Collection method: clinical testing. Allele origin: germline.